The following is an entry in ClinVar:

NM_001386298.1(CIC):c.5572T>C (p.Phe1858Leu)

Gene: CIC (capicua transcriptional repressor; plus strand). Cytogenetic location: 19q13.2.
Variant type: single nucleotide variant.
Coding change: c.5572T>C on transcript NM_001386298.1 (MANE Select); coding-DNA position 5572, T replaced by C.
Protein change: p.Phe1858Leu; replaces phenylalanine 1858 with leucine.
Molecular consequence: missense variant.
Genome position (GRCh38, 1-based): chr19:42,291,704, T>C. VCF-style: chr19-42291704-T-C. GRCh37 (hg19) VCF-style: chr19-42795856-T-C.
Other names: c.5572T>C, p.Phe1858Leu (NM_001304815.2, NM_001379480.1, NM_001379482.1 and 6 more transcripts); c.2845T>C, p.Phe949Leu (NM_001379484.1, NM_001379485.1, NM_001439189.1 and 3 more transcripts); short protein forms F1858L, F949L.
Identifiers: ClinVar variation 5008689 (VCV005008689.1).

ClinVar aggregate classification (germline): Uncertain significance (1 of 4 stars; one submission).

Submission:

GeneDx
Classification: Uncertain significance. Last evaluated: 2026-02-13. Review status: criteria provided, single submitter. Criteria: GeneDx Variant Classification Process June 2021. Collection method: clinical testing. Allele origin: germline.
Comment: Not observed at significant frequency in large population cohorts (gnomAD); In silico analysis suggests that this missense variant does not alter protein structure/function; Has not been previously published as pathogenic or benign to our knowledge